The following is an entry in ClinVar:

ClinVar aggregate classification (germline): Conflicting classifications of pathogenicity. Review status: criteria provided, conflicting classifications (1 of 4 stars). 2 submissions from 2 submitters: Likely pathogenic (1); Uncertain significance (1). Last evaluated 2025-07-27.

Conditions:
Cardiovascular phenotype. Identifiers: MedGen CN230736.
Dilated cardiomyopathy 1O (CMD1O). Also called: CARDIOMYOPATHY, DILATED, WITH VENTRICULAR TACHYCARDIA. Identifiers: Orphanet 154, MedGen C1837839, MONDO:0012062, OMIM 608569.

Allele frequency attached by ClinVar (database versions not stated): ESP Exome Variant Server 0.00008; TOPMed below 0.00001; ExAC 0.00001; gnomAD exomes below 0.00001.
gnomAD v4.1: 1 of 1,609,622 alleles (0.000062%); highest among the groups gnomAD compares: South Asian, 0.0011%; no homozygotes.

Submissions (2):

Labcorp Genetics (formerly Invitae), Labcorp
Classification: Likely pathogenic for Dilated cardiomyopathy 1O. Last evaluated: 2025-07-27. Review status: criteria provided, single submitter. Criteria: Invitae Variant Classification Sherloc (09022015). Collection method: clinical testing. Allele origin: germline.
Comment: This sequence change affects a donor splice site in intron 1 of the ABCC9 gene. It is expected to disrupt RNA splicing. Variants that disrupt the donor or acceptor splice site typically lead to a loss of protein function (PMID: 16199547), and loss-of-function variants in ABCC9 are known to be pathogenic (PMID: 31575858, 38217872). This variant is present in population databases (rs373876069, gnomAD 0.003%). This variant has not been reported in the literature in individuals affected with ABCC9-related conditions. ClinVar contains an entry for this variant (Variation ID: 2447992). Algorithms developed to predict the effect of sequence changes on RNA splicing suggest that this variant may disrupt the consensus splice site. In summary, the currently available evidence indicates that the variant is pathogenic, but additional data are needed to prove that conclusively. Therefore, this variant has been classified as Likely Pathogenic.

Ambry Genetics
Classification: Uncertain significance for Cardiovascular phenotype. Last evaluated: 2023-03-03. Review status: criteria provided, single submitter. Criteria: Ambry Variant Classification Scheme 2023. Collection method: clinical testing. Allele origin: germline.
Comment: The c.142+2T>C intronic variant results from a T to C substitution two nucleotides after coding exon 1 in the ABCC9 gene. This nucleotide position is highly conserved in available vertebrate species. In silico splice site analysis predicts that this alteration will weaken the native splice donor site. Alterations that disrupt the canonical splice site are expected to cause aberrant splicing, resulting in an abnormal protein or a transcript that is subject to nonsense-mediated mRNA decay. However, loss of function of ABCC9 has not been established as a mechanism of disease. Since supporting evidence is limited at this time, the clinical significance of this alteration remains unclear.

Literature cited by the submitters: PubMed 16199547 (cited by Labcorp Genetics (formerly Invitae), Labcorp); PubMed 31575858 (cited by Labcorp Genetics (formerly Invitae), Labcorp); PubMed 38217872 (cited by Labcorp Genetics (formerly Invitae), Labcorp).

NM_020297.4(ABCC9):c.142+2T>C

Gene: ABCC9 (ATP binding cassette subfamily C member 9; minus strand). Cytogenetic location: 12p12.1.
Variant type: single nucleotide variant.
Coding change: c.142+2T>C on transcript NM_020297.4 (MANE Select); the canonical splice donor site of the intron after coding-DNA position 142, T replaced by C.
Molecular consequence: splice donor variant.
Genome position (GRCh38, 1-based): chr12:21,936,531, A>G on the plus strand (T>C on the coding strand, the complement: ABCC9 is on the minus strand). VCF-style: chr12-21936531-A-G. GRCh37 (hg19) VCF-style: chr12-22089465-A-G.
Other names: c.-313+2T>C (NM_001377274.1); c.142+2T>C (NM_005691.4, NM_001377273.1).
Identifiers: ClinVar variation 2447992 (VCV002447992.4), dbSNP rs373876069, ClinGen allele CA6481953.